The following is an entry in ClinVar:

NM_022464.5(SIL1):c.608T>G (p.Ile203Ser)

Gene: SIL1 (SIL1 nucleotide exchange factor; minus strand). Cytogenetic location: 5q31.2.
Variant type: single nucleotide variant.
Coding change: c.608T>G on transcript NM_022464.5 (MANE Select); coding-DNA position 608, T replaced by G.
Protein change: p.Ile203Ser; replaces isoleucine 203 with serine.
Molecular consequence: missense variant.
Genome position (GRCh38, 1-based): chr5:139,026,838, A>C on the plus strand (T>G on the coding strand, the complement: SIL1 is on the minus strand). VCF-style: chr5-139026838-A-C. GRCh37 (hg19) VCF-style: chr5-138362527-A-C.
Other names: c.608T>G, p.Ile203Ser (NM_001037633.2); short protein forms I203S.
Identifiers: ClinVar variation 3369964 (VCV003369964.1).

ClinVar aggregate classification (germline): Uncertain significance (1 of 4 stars; one submission).

Submission:

GeneDx
Classification: Uncertain significance. Last evaluated: 2023-12-21. Review status: criteria provided, single submitter. Criteria: GeneDx Variant Classification Process June 2021. Collection method: clinical testing. Allele origin: germline. Affected: yes.
Comment: Not observed at significant frequency in large population cohorts (gnomAD); In silico analysis supports that this missense variant has a deleterious effect on protein structure/function; Has not been previously published as pathogenic or benign to our knowledge